The following is an entry in ClinVar:

NM_006579.3(EBP):c.250G>C (p.Val84Leu)

Gene: EBP (EBP cholestenol delta-isomerase; plus strand). Cytogenetic location: Xp11.23.
Variant type: single nucleotide variant.
Coding change: c.250G>C on transcript NM_006579.3 (MANE Select); coding-DNA position 250, G replaced by C.
Protein change: p.Val84Leu; replaces valine 84 with leucine.
Molecular consequence: missense variant.
Genome position (GRCh38, 1-based): chrX:48,524,021, G>C. VCF-style: chrX-48524021-G-C. GRCh37 (hg19) VCF-style: chrX-48382409-G-C.
Other names: short protein forms V84L.
Identifiers: ClinVar variation 2090638 (VCV002090638.4), dbSNP rs1335777232, ClinGen allele CA412851739.

ClinVar aggregate classification (germline): Uncertain significance (1 of 4 stars; one submission).

Submission:

Labcorp Genetics (formerly Invitae), Labcorp
Classification: Uncertain significance. Last evaluated: 2022-07-12. Review status: criteria provided, single submitter. Criteria: Invitae Variant Classification Sherloc (09022015). Collection method: clinical testing. Allele origin: germline.
Comment: In summary, the available evidence is currently insufficient to determine the role of this variant in disease. Therefore, it has been classified as a Variant of Uncertain Significance. Advanced modeling of protein sequence and biophysical properties (such as structural, functional, and spatial information, amino acid conservation, physicochemical variation, residue mobility, and thermodynamic stability) performed at Invitae indicates that this missense variant is not expected to disrupt EBP protein function. This variant has not been reported in the literature in individuals affected with EBP-related conditions. This variant is not present in population databases (gnomAD no frequency). This sequence change replaces valine, which is neutral and non-polar, with leucine, which is neutral and non-polar, at codon 84 of the EBP protein (p.Val84Leu).